The following is an entry in ClinVar:

NM_000465.4(BARD1):c.1930G>A (p.Val644Ile)

Gene: BARD1 (BRCA1 associated RING domain 1; minus strand). Cytogenetic location: 2q35.
Variant type: single nucleotide variant.
Coding change: c.1930G>A on transcript NM_000465.4 (MANE Select); coding-DNA position 1930, G replaced by A.
Protein change: p.Val644Ile; replaces valine 644 with isoleucine.
Molecular consequence: missense variant. On other transcripts: non-coding transcript variant (3).
Genome position (GRCh38, 1-based): chr2:214,730,482, C>T on the plus strand (G>A on the coding strand, the complement: BARD1 is on the minus strand). VCF-style: chr2-214730482-C-T. GRCh37 (hg19) VCF-style: chr2-215595206-C-T.
Other names: c.1873G>A, p.Val625Ile (NM_001282543.2); c.577G>A, p.Val193Ile (NM_001282545.2); c.520G>A, p.Val174Ile (NM_001282548.2); c.391G>A, p.Val131Ile (NM_001282549.2); short protein forms V174I, V625I, V644I, V131I, V193I.
Identifiers: ClinVar variation 1485525 (VCV001485525.11), dbSNP rs2105990789, ClinGen allele CA350451254.

ClinVar aggregate classification (germline): Conflicting classifications of pathogenicity. Review status: criteria provided, conflicting classifications (1 of 4 stars). 2 submissions from 2 submitters: Uncertain significance (1); Likely benign (1). Last evaluated 2024-02-26.

Conditions:
Hereditary cancer-predisposing syndrome. Also called: Hereditary neoplastic syndrome; Neoplastic Syndromes, Hereditary; Hereditary Cancer Syndrome; Tumor predisposition. Identifiers: Orphanet 140162, MedGen C0027672, MeSH D009386, MONDO:0015356.
Familial cancer of breast. Also called: Hereditary breast cancer; BREAST CANCER, FAMILIAL; hereditary breast carcinoma. Identifiers: Orphanet 227535, MedGen C0346153, MONDO:0016419, OMIM 114480. Disease mechanism: loss of function.

Allele frequency attached by ClinVar (database versions not stated): gnomAD exomes below 0.00001.
gnomAD v4.1: 1 of 1,613,980 alleles (0.000062%); highest among the groups gnomAD compares: Non-Finnish European, 0.000085%; no homozygotes.

Submissions (2):

Ambry Genetics
Classification: Likely benign for Hereditary cancer-predisposing syndrome. Last evaluated: 2024-02-26. Review status: criteria provided, single submitter. Criteria: Ambry Variant Classification Scheme 2023. Collection method: clinical testing. Allele origin: germline.

Labcorp Genetics (formerly Invitae), Labcorp
Classification: Uncertain significance for Familial cancer of breast. Last evaluated: 2021-03-22. Review status: criteria provided, single submitter. Criteria: Invitae Variant Classification Sherloc (09022015). Collection method: clinical testing. Allele origin: germline.
Comment: In summary, the available evidence is currently insufficient to determine the role of this variant in disease. Therefore, it has been classified as a Variant of Uncertain Significance. Algorithms developed to predict the effect of missense changes on protein structure and function output the following: SIFT: "Tolerated"; PolyPhen-2: "Benign"; Align-GVGD: "Class C0". The isoleucine amino acid residue is found in multiple mammalian species, suggesting that this missense change does not adversely affect protein function. These predictions have not been confirmed by published functional studies and their clinical significance is uncertain. This variant has not been reported in the literature in individuals with BARD1-related conditions. This variant is not present in population databases (ExAC no frequency). This sequence change replaces valine with isoleucine at codon 644 of the BARD1 protein (p.Val644Ile). The valine residue is moderately conserved and there is a small physicochemical difference between valine and isoleucine.